The following is an entry in ClinVar:

ClinVar aggregate classification (germline): Uncertain significance. Review status: criteria provided, multiple submitters, no conflicts (2 of 4 stars). 2 submissions from 2 submitters: Uncertain significance (2). Last evaluated 2023-05-27.

Conditions:
RASopathy. Also called: Noonan spectrum disorder; rasopathies. Identifiers: Orphanet 536391, MedGen C5555857, MONDO:0021060.
Cardiovascular phenotype. Identifiers: MedGen CN230736.

Allele frequency attached by ClinVar (database versions not stated): TOPMed below 0.00001; gnomAD 0.00001.
gnomAD v4.1: 1 of 1,592,220 alleles (0.000063%); highest among the groups gnomAD compares: Middle Eastern, 0.018%; no homozygotes.

Submissions (2):

Ambry Genetics
Classification: Uncertain significance for Cardiovascular phenotype. Last evaluated: 2023-05-27. Review status: criteria provided, single submitter. Criteria: Ambry Variant Classification Scheme 2023. Collection method: clinical testing. Allele origin: germline.
Comment: The p.V24L variant (also known as c.70G>C), located in coding exon 1 of the SOS1 gene, results from a G to C substitution at nucleotide position 70. The valine at codon 24 is replaced by leucine, an amino acid with highly similar properties. This amino acid position is conserved. In addition, the in silico prediction for this alteration is inconclusive. Since supporting evidence is limited at this time, the clinical significance of this alteration remains unclear.

Labcorp Genetics (formerly Invitae), Labcorp
Classification: Uncertain significance for RASopathy. Last evaluated: 2023-01-23. Review status: criteria provided, single submitter. Criteria: Invitae Variant Classification Sherloc (09022015). Collection method: clinical testing. Allele origin: germline.
Comment: This variant is not present in population databases (gnomAD no frequency). This variant has not been reported in the literature in individuals affected with SOS1-related conditions. Algorithms developed to predict the effect of missense changes on protein structure and function (SIFT, PolyPhen-2, Align-GVGD) all suggest that this variant is likely to be tolerated. In summary, the available evidence is currently insufficient to determine the role of this variant in disease. Therefore, it has been classified as a Variant of Uncertain Significance. This sequence change replaces valine, which is neutral and non-polar, with leucine, which is neutral and non-polar, at codon 24 of the SOS1 protein (p.Val24Leu).

NM_005633.4(SOS1):c.70G>C (p.Val24Leu)

Genes: SOS1 (SOS Ras/Rac guanine nucleotide exchange factor 1; minus strand), LOC129933535 (ATAC-STARR-seq lymphoblastoid silent region 11384; plus strand). Cytogenetic location: 2p22.1.
Variant type: single nucleotide variant.
Coding change: c.70G>C on transcript NM_005633.4 (MANE Select); coding-DNA position 70, G replaced by C.
Protein change: p.Val24Leu; replaces valine 24 with leucine.
Molecular consequence: missense variant. On other transcripts: intron variant (1).
Genome position (GRCh38, 1-based): chr2:39,120,353, C>G on the plus strand (G>C on the coding strand, the complement: SOS1 is on the minus strand). VCF-style: chr2-39120353-C-G. GRCh37 (hg19) VCF-style: chr2-39347494-C-G.
Other names: c.70G>C, p.Val24Leu (NM_001382395.1); c.66+4311G>C (NM_001382394.1); short protein forms V24L.
Identifiers: ClinVar variation 2567935 (VCV002567935.5), dbSNP rs1673824599, ClinGen allele CA346374579.